The following is an entry in ClinVar:

ClinVar aggregate classification (germline): Benign. Review status: criteria provided, multiple submitters, no conflicts (2 of 4 stars). 3 submissions from 3 submitters: Benign (2). 1 of the submissions does not count toward it. Last evaluated 2026-01-11.

Conditions:
TMC6-related disorder. Also called: TMC6-related condition.
Epidermodysplasia verruciformis. Identifiers: Orphanet 302, MedGen C0014522, MONDO:0009176.

Allele frequency attached by ClinVar (database versions not stated): gnomAD exomes 0.00062 and 0.00119; ExAC 0.00147; ESP Exome Variant Server 0.00415; gnomAD 0.00461 and 0.00494; TOPMed 0.00471; 1000 Genomes Project 30x 0.00547; 1000 Genomes Project 0.00579.
gnomAD v4.1: 1,623 of 1,613,108 alleles (0.1%); highest among the groups gnomAD compares: African/African-American, 1.6%; 10 homozygotes.

Submissions (3):

Labcorp Genetics (formerly Invitae), Labcorp
Classification: Benign for Epidermodysplasia verruciformis. Last evaluated: 2026-01-11. Review status: criteria provided, single submitter. Criteria: Invitae Variant Classification Sherloc (09022015). Collection method: clinical testing. Allele origin: germline.

Breakthrough Genomics
Classification: Benign. Review status: criteria provided, single submitter. Criteria: ACMG Guidelines, 2015. Collection method: not provided. Allele origin: germline. Inheritance: Autosomal recessive inheritance. Affected: yes.

PreventionGenetics, part of Exact Sciences
Classification: Benign for TMC6-related condition. Last evaluated: 2019-06-20. Review status: no assertion criteria provided. Collection method: clinical testing. Allele origin: germline. Not counted in ClinVar's aggregate classification.
Comment: This variant is classified as benign based on ACMG/AMP sequence variant interpretation guidelines (Richards et al. 2015 PMID: 25741868, with internal and published modifications).

NM_001127198.5(TMC6):c.1471C>T (p.Arg491Cys)

Gene: TMC6 (transmembrane channel like 6; minus strand). Cytogenetic location: 17q25.3.
Variant type: single nucleotide variant.
Coding change: c.1471C>T on transcript NM_001127198.5 (MANE Select); coding-DNA position 1471, C replaced by T.
Protein change: p.Arg491Cys; replaces arginine 491 with cysteine.
Molecular consequence: missense variant. On other transcripts: non-coding transcript variant (4).
Genome position (GRCh38, 1-based): chr17:78,121,077, G>A on the plus strand (C>T on the coding strand, the complement: TMC6 is on the minus strand). VCF-style: chr17-78121077-G-A. GRCh37 (hg19) VCF-style: chr17-76117158-G-A.
Other names: c.1471C>T, p.Arg491Cys (NM_001321185.1, NM_001374593.1, NM_001374594.1 and 4 more transcripts); short protein forms R491C.
Identifiers: ClinVar variation 456007 (VCV000456007.15), dbSNP rs114853749, ClinGen allele CA8795739.